The following is an entry in ClinVar:

NM_012200.4(B3GAT3):c.590A>C (p.Asn197Thr)

Gene: B3GAT3 (beta-1,3-glucuronyltransferase 3; minus strand). Cytogenetic location: 11q12.3.
Variant type: single nucleotide variant.
Coding change: c.590A>C on transcript NM_012200.4 (MANE Select); coding-DNA position 590, A replaced by C.
Protein change: p.Asn197Thr; replaces asparagine 197 with threonine.
Molecular consequence: missense variant. On other transcripts: non-coding transcript variant (1).
Genome position (GRCh38, 1-based): chr11:62,617,015, T>G on the plus strand (A>C on the coding strand, the complement: B3GAT3 is on the minus strand). VCF-style: chr11-62617015-T-G. GRCh37 (hg19) VCF-style: chr11-62384487-T-G.
Other names: c.569A>C, p.Asn190Thr (NM_001288721.2); c.590A>C, p.Asn197Thr (NM_001288722.2, NM_001288723.2); short protein forms N190T, N197T.
Identifiers: ClinVar variation 1481921 (VCV001481921.6), dbSNP rs1842716430, ClinGen allele CA380976651.

ClinVar aggregate classification (germline): Uncertain significance (1 of 4 stars; one submission).

Conditions:
Larsen-like syndrome, B3GAT3 type. Also called: Multiple joint dislocations, short stature, craniofacial dysmorphism, with or without congenital heart defects; MULTIPLE JOINT DISLOCATIONS, SHORT STATURE, AND CRANIOFACIAL DYSMORPHISM WITH OR WITHOUT CONGENITAL HEART DEFECTS. Identifiers: Orphanet 284139, MedGen CN034159, MONDO:0009511, OMIM 245600.

Allele frequency attached by ClinVar (database versions not stated): gnomAD exomes below 0.00001; TOPMed below 0.00001.
gnomAD v4.1: 1 of 1,614,198 alleles (0.000062%); highest among the groups gnomAD compares: Non-Finnish European, 0.000085%; no homozygotes.

Submission:

Labcorp Genetics (formerly Invitae), Labcorp
Classification: Uncertain significance for Larsen-like syndrome, B3GAT3 type. Last evaluated: 2025-08-07. Review status: criteria provided, single submitter. Criteria: Invitae Variant Classification Sherloc (09022015). Collection method: clinical testing. Allele origin: germline.
Comment: This sequence change replaces asparagine, which is neutral and polar, with threonine, which is neutral and polar, at codon 197 of the B3GAT3 protein (p.Asn197Thr). This variant is not present in population databases (gnomAD no frequency). This missense change has been observed in individual(s) with clinical features of multiple joint dislocations, short stature, craniofacial dysmorphism, with or without congenital heart defects (PMID: 26633542). ClinVar contains an entry for this variant (Variation ID: 1481921). Invitae Evidence Modeling of protein sequence and biophysical properties (such as structural, functional, and spatial information, amino acid conservation, physicochemical variation, residue mobility, and thermodynamic stability) indicates that this missense variant is expected to disrupt B3GAT3 protein function with a positive predictive value of 80%. In summary, the available evidence is currently insufficient to determine the role of this variant in disease. Therefore, it has been classified as a Variant of Uncertain Significance.

Literature cited by the submitters: PubMed 26633542.